The following is an entry in ClinVar:

NM_052947.4(ALPK2):c.58T>C (p.Ser20Pro)

Gene: ALPK2 (alpha kinase 2; minus strand). Cytogenetic location: 18q21.32.
Variant type: single nucleotide variant.
Coding change: c.58T>C on transcript NM_052947.4 (MANE Select); coding-DNA position 58, T replaced by C.
Protein change: p.Ser20Pro; replaces serine 20 with proline.
Molecular consequence: missense variant.
Genome position (GRCh38, 1-based): chr18:58,611,740, A>G on the plus strand (T>C on the coding strand, the complement: ALPK2 is on the minus strand). VCF-style: chr18-58611740-A-G. GRCh37 (hg19) VCF-style: chr18-56278972-A-G.
Other names: short protein forms S20P.
Identifiers: ClinVar variation 1750399 (VCV001750399.2), dbSNP rs2518915317, ClinGen allele CA402558051.

ClinVar aggregate classification (germline): Uncertain significance (1 of 4 stars; one submission).

Submission:

Ambry Genetics
Classification: Uncertain significance. Last evaluated: 2022-05-25. Review status: criteria provided, single submitter. Criteria: Ambry Variant Classification Scheme 2023. Collection method: clinical testing. Allele origin: germline.
Comment: The p.S20P variant (also known as c.58T>C), located in coding exon 1 of the ALPK2 gene, results from a T to C substitution at nucleotide position 58. The serine at codon 20 is replaced by proline, an amino acid with similar properties. This amino acid position is conserved. In addition, this alteration is predicted to be tolerated by in silico analysis. Since supporting evidence is limited at this time, the clinical significance of this alteration remains unclear.